The following is an entry in ClinVar:

NM_002180.3(IGHMBP2):c.-25C>T

Gene: IGHMBP2 (immunoglobulin mu DNA binding protein 2; plus strand). Cytogenetic location: 11q13.3.
Variant type: single nucleotide variant.
Coding change: c.-25C>T on transcript NM_002180.3 (MANE Select); 25 bases upstream of the start codon, C replaced by T.
Molecular consequence: 5 prime UTR variant.
Genome position (GRCh38, 1-based): chr11:68,903,928, C>T. VCF-style: chr11-68903928-C-T. GRCh37 (hg19) VCF-style: chr11-68671396-C-T.
Identifiers: ClinVar variation 389694 (VCV000389694.1), dbSNP rs780273172, ClinGen allele CA6153151.
Genomic context (GRCh38, chr11:68,903,928, plus strand): 5'-CCGGCGGGGAACACCGGTCCGCTGTAACACCGGCCCGGCGCAGAAGCGGGACGTCGGCTT[C>T]TAGGGGCCCAGGCCGGCGGCGGCGATGGCCTCGGCAGCTGTGGAGAGCTTCGTGACCAAG-3'

ClinVar aggregate classification (germline): Likely benign (1 of 4 stars; one submission).

Allele frequency attached by ClinVar (database versions not stated): ExAC 0.00021; gnomAD exomes 0.00022; TOPMed 0.00023; gnomAD 0.00031 and 0.00034.
gnomAD v4.1: 339 of 1,595,628 alleles (0.021%); highest among the groups gnomAD compares: Admixed American, 0.1%; no homozygotes.

Submission:

GeneDx
Classification: Likely benign. Last evaluated: 2016-10-20. Review status: criteria provided, single submitter. Criteria: GeneDx Variant Classification (06012015). Collection method: clinical testing. Allele origin: germline. Affected: yes.
Comment: This variant is considered likely benign or benign based on one or more of the following criteria: it is a conservative change, it occurs at a poorly conserved position in the protein, it is predicted to be benign by multiple in silico algorithms, and/or has population frequency not consistent with disease.